The following is an entry in ClinVar:

NM_006846.4(SPINK5):c.283-337C>T

Gene: SPINK5 (serine peptidase inhibitor Kazal type 5; plus strand). Cytogenetic location: 5q32.
Variant type: single nucleotide variant.
Coding change: c.283-337C>T on transcript NM_006846.4 (MANE Select); 337 bases into the intron before coding-DNA position 283, C replaced by T.
Molecular consequence: intron variant.
Genome position (GRCh38, 1-based): chr5:148,086,068, C>T. VCF-style: chr5-148086068-C-T. GRCh37 (hg19) VCF-style: chr5-147465631-C-T.
Other names: c.283-337C>T (NM_001127698.2, NM_001127699.2).
Identifiers: ClinVar variation 667630 (VCV000667630.1), dbSNP rs1363725, ClinGen allele CA12066307.

ClinVar aggregate classification (germline): Benign (1 of 4 stars; one submission).

Allele frequency attached by ClinVar (database versions not stated): gnomAD 0.48975 and 0.49535; TOPMed 0.49826; 1000 Genomes Project 30x 0.50531; 1000 Genomes Project 0.50819.
gnomAD v4.1: 75,016 of 151,254 alleles (50%); highest among the groups gnomAD compares: Admixed American, 61%; 19,031 homozygotes.

Submission:

GeneDx
Classification: Benign. Last evaluated: 2018-06-14. Review status: criteria provided, single submitter. Criteria: GeneDx Variant Classification (06012015). Collection method: clinical testing. Allele origin: germline. Affected: yes.
Comment: This variant is considered likely benign or benign based on one or more of the following criteria: it is a conservative change, it occurs at a poorly conserved position in the protein, it is predicted to be benign by multiple in silico algorithms, and/or has population frequency not consistent with disease.